The following is an entry in ClinVar:

NM_001378789.1(CERS3):c.1000-1G>C

Genes: CERS3 (ceramide synthase 3; minus strand), CERS3-AS1 (CERS3 antisense RNA 1; plus strand). Cytogenetic location: 15q26.3.
Variant type: single nucleotide variant.
Coding change: c.1000-1G>C on transcript NM_001378789.1 (MANE Select); the canonical splice acceptor site of the intron before coding-DNA position 1000, G replaced by C.
Molecular consequence: splice acceptor variant.
Genome position (GRCh38, 1-based): chr15:100,402,866, C>G on the plus strand (G>C on the coding strand, the complement: CERS3 is on the minus strand). VCF-style: chr15-100402866-C-G. GRCh37 (hg19) VCF-style: chr15-100943071-C-G.
Other names: c.1000-1G>C (NM_178842.5, NM_001290343.2, NM_001290342.2); c.1033-1G>C (NM_001290341.2).
Identifiers: ClinVar variation 4871720 (VCV004871720.1).

ClinVar aggregate classification (germline): Likely pathogenic (1 of 4 stars; one submission).

Conditions:
Ichthyosis and erythrokeratoderma.

gnomAD v4.1: 5 of 1,586,620 alleles (0.00032%); highest among the groups gnomAD compares: Non-Finnish European, 0.00034%; no homozygotes.

Submission:

Genetics Laboratory, Great Ormond Street Hospital NHS Foundation Trust, North Thames Genomic Laboratory Hub
Classification: Likely pathogenic for Ichthyosis and erythrokeratoderma. Last evaluated: 2026-05-19. Review status: criteria provided, single submitter. Criteria: ACGS Best Practice Guidelines for Variant Classification in Rare Disease 2024 v1.2. Collection method: clinical testing. Allele origin: germline. Affected: yes.
Comment: PM2_moderate, PVS1_strong